The following is an entry in ClinVar:

GRCh37/hg19 15q11.2(chr15:22750305-23164315)x1

Genes: CYFIP1 (cytoplasmic FMR1 interacting protein 1; minus strand), NIPA1 (NIPA magnesium transporter 1; plus strand), NIPA2 (NIPA magnesium transporter 2; plus strand), TUBGCP5 (tubulin gamma complex component 5; minus strand). Cytogenetic location: 15q11.2.
Variant type: copy number loss.
Change: copy number 1 (one copy instead of two) of chr15:22,750,305-23,164,315 (414.0 kb, GRCh37 coordinates, 1-based), cytogenetic band 15q11.2.
Identifiers: ClinVar variation 446342 (VCV000446342.4).

ClinVar aggregate classification (germline): Pathogenic (1 of 4 stars; one submission).

Submission:

Clinical Genomics Laboratory, Laboratory for Precision Diagnostics, University of Washington
Classification: Pathogenic. Last evaluated: 2017-05-09. Review status: criteria provided, single submitter. Criteria: Clinical Cytogenomics Laboratory Policy on CNV Interpretation. Collection method: clinical testing. Allele origin: unknown. Affected: yes. Observed: 1 variant allele.

Literature cited by the submitters: PubMed 21841781; PubMed 25689425; PubMed 25596525; PubMed 23258348; PubMed 25946043.